The following is an entry in ClinVar:

NM_004525.3(LRP2):c.2676T>A (p.Asp892Glu)

Gene: LRP2 (LDL receptor related protein 2; minus strand). Cytogenetic location: 2q31.1.
Variant type: single nucleotide variant.
Coding change: c.2676T>A on transcript NM_004525.3 (MANE Select); coding-DNA position 2676, T replaced by A.
Protein change: p.Asp892Glu; replaces aspartic acid 892 with glutamic acid.
Molecular consequence: missense variant.
Genome position (GRCh38, 1-based): chr2:169,256,200, A>T on the plus strand (T>A on the coding strand, the complement: LRP2 is on the minus strand). VCF-style: chr2-169256200-A-T. GRCh37 (hg19) VCF-style: chr2-170112710-A-T.
Other names: short protein forms D892E.
Identifiers: ClinVar variation 1951403 (VCV001951403.5), dbSNP rs528235589, ClinGen allele CA1955234.
Genomic context (GRCh38, chr2:169,256,200, plus strand): 5'-CTGCTCTATATGGCCCAGTCTTCTTCTGTCTAAACCATCAAAGGTGCTGTGCTCAATTTT[A>T]TCAAAATAGGCATCTACCCAGTACAATCGTGAAGCACTAAAATAATAAAATATTTAGTTA-3'
Protein context (NP_004516.2, residues 882-902): SRLYWVDAYF[Asp892Glu]KIEHSTFDGL

ClinVar aggregate classification (germline): Uncertain significance. Review status: criteria provided, multiple submitters, no conflicts (2 of 4 stars). 2 submissions from 2 submitters: Uncertain significance (2). Last evaluated 2024-05-08.

Conditions:
Donnai-Barrow syndrome. Also called: DBS/FOAR SYNDROME; FACIOOCULOACOUSTICORENAL SYNDROME. Identifiers: Orphanet 2143, MedGen C1857277, MONDO:0009104, OMIM 222448.

Allele frequency attached by ClinVar (database versions not stated): gnomAD exomes below 0.00001; ExAC 0.00001; gnomAD 0.00001; TOPMed 0.00001.
gnomAD v4.1: 10 of 1,612,906 alleles (0.00062%); highest among the groups gnomAD compares: African/African-American, 0.008%; no homozygotes.

Submissions (2):

Fulgent Genetics
Classification: Uncertain significance for Donnai-Barrow syndrome. Last evaluated: 2024-05-08. Review status: criteria provided, single submitter. Criteria: ACMG Guidelines, 2015. Collection method: clinical testing. Allele origin: germline.

Labcorp Genetics (formerly Invitae), Labcorp
Classification: Uncertain significance. Last evaluated: 2022-08-13. Review status: criteria provided, single submitter. Criteria: Invitae Variant Classification Sherloc (09022015). Collection method: clinical testing. Allele origin: germline.
Comment: This sequence change replaces aspartic acid, which is acidic and polar, with glutamic acid, which is acidic and polar, at codon 892 of the LRP2 protein (p.Asp892Glu). This variant is present in population databases (rs528235589, gnomAD 0.004%). This variant has not been reported in the literature in individuals affected with LRP2-related conditions. Algorithms developed to predict the effect of missense changes on protein structure and function are either unavailable or do not agree on the potential impact of this missense change (SIFT: "Deleterious"; PolyPhen-2: "Possibly Damaging"; Align-GVGD: "Class C0"). In summary, the available evidence is currently insufficient to determine the role of this variant in disease. Therefore, it has been classified as a Variant of Uncertain Significance.